The following is an entry in ClinVar:

ClinVar aggregate classification (germline): Uncertain significance (1 of 4 stars; one submission).

Conditions:
Inborn genetic diseases. Identifiers: MedGen C0950123, MeSH D030342.

Allele frequency attached by ClinVar (database versions not stated): TOPMed 0.00001.

Submission:

Ambry Genetics
Classification: Uncertain significance for Inborn genetic diseases. Last evaluated: 2022-12-26. Review status: criteria provided, single submitter. Criteria: Ambry Variant Classification Scheme 2023. Collection method: clinical testing. Allele origin: germline.
Comment: The p.L640P variant (also known as c.1919T>C), located in coding exon 21 of the ERCC2 gene, results from a T to C substitution at nucleotide position 1919. The leucine at codon 640 is replaced by proline, an amino acid with similar properties. This amino acid position is conserved. In addition, this alteration is predicted to be deleterious by in silico analysis. Since supporting evidence is limited at this time, the clinical significance of this alteration remains unclear.

NM_000400.4(ERCC2):c.1919T>C (p.Leu640Pro)

Gene: ERCC2 (ERCC excision repair 2, TFIIH core complex helicase subunit; minus strand). Cytogenetic location: 19q13.32.
Variant type: single nucleotide variant.
Coding change: c.1919T>C on transcript NM_000400.4 (MANE Select); coding-DNA position 1919, T replaced by C.
Protein change: p.Leu640Pro; replaces leucine 640 with proline.
Molecular consequence: missense variant.
Genome position (GRCh38, 1-based): chr19:45,352,633, A>G on the plus strand (T>C on the coding strand, the complement: ERCC2 is on the minus strand). VCF-style: chr19-45352633-A-G. GRCh37 (hg19) VCF-style: chr19-45855891-A-G.
Other names: short protein forms L640P.
Identifiers: ClinVar variation 2452355 (VCV002452355.2), dbSNP rs1205109661, ClinGen allele CA406363560.